The following is an entry in ClinVar:

ClinVar aggregate classification (germline): Conflicting classifications of pathogenicity. Review status: criteria provided, conflicting classifications (1 of 4 stars). 2 submissions from 2 submitters: Uncertain significance (1); Likely benign (1). Last evaluated 2023-12-11.

Conditions:
Menkes kinky-hair syndrome (MNK). Also called: Classic Menkes Disease; Copper transport disease; Menkes Disease. Identifiers: Orphanet 565, MedGen C0022716, MONDO:0010651, OMIM 309400.
X-linked distal spinal muscular atrophy type 3. Also called: NEURONOPATHY, DISTAL HEREDITARY MOTOR, X-LINKED; NEUROPATHY, DISTAL HEREDITARY MOTOR, X-LINKED; ATP7A-Related Distal Motor Neuropathy; SPINAL MUSCULAR ATROPHY, DISTAL, X-LINKED RECESSIVE. Identifiers: Orphanet 139557, MedGen C1845359, MONDO:0010338, OMIM 300489.
Cutis laxa, X-linked (OHS). Also called: EDS IX; Occipital horn syndrome. Identifiers: Orphanet 198, MedGen C0268353, MONDO:0010572, OMIM 304150.

Allele frequency attached by ClinVar (database versions not stated): ExAC 0.00001.
gnomAD v4.1: 6 of 1,211,561 alleles (0.0005%); highest among the groups gnomAD compares: Non-Finnish European, 0.00067%; no homozygotes.

Submissions (2):

Labcorp Genetics (formerly Invitae), Labcorp
Classification: Likely benign for X-linked distal spinal muscular atrophy type 3; Cutis laxa, X-linked; Menkes kinky-hair syndrome. Last evaluated: 2023-12-11. Review status: criteria provided, single submitter. Criteria: Invitae Variant Classification Sherloc (09022015). Collection method: clinical testing. Allele origin: germline.

Mayo Clinic Laboratories, Mayo Clinic
Classification: Uncertain significance. Last evaluated: 2023-11-07. Review status: criteria provided, single submitter. Criteria: ACMG Guidelines, 2015. Collection method: clinical testing. Allele origin: germline. Observed: 1 variant allele.
Comment: PP3, PM2

NM_000052.7(ATP7A):c.3072A>G (p.Ile1024Met)

Gene: ATP7A (ATPase copper transporting alpha; plus strand). Cytogenetic location: Xq21.1.
Variant type: single nucleotide variant.
Coding change: c.3072A>G on transcript NM_000052.7 (MANE Select); coding-DNA position 3072, A replaced by G.
Protein change: p.Ile1024Met; replaces isoleucine 1024 with methionine.
Molecular consequence: missense variant.
Genome position (GRCh38, 1-based): chrX:78,029,405, A>G. VCF-style: chrX-78029405-A-G. GRCh37 (hg19) VCF-style: chrX-77284902-A-G.
Other names: p.Ile1024Met; c.2838A>G, p.Ile946Met (NM_001282224.2); short protein forms I1024M, I946M.
Identifiers: ClinVar variation 1951190 (VCV001951190.6), dbSNP rs782729361, ClinGen allele CA10459371.
Genomic context (GRCh38, chrX:78,029,405, plus strand): 5'-GGGACTGGCCACTCCAACTGCTGTGATGGTGGGTACAGGAGTAGGTGCTCAAAATGGCAT[A>G]CTAATAAAAGGTGGAGAGCCATTGGAGATGGCTCATAAGGTAAGACAGTCCCCAGAACTA-3'
Protein context (NP_000043.4, residues 1014-1034): VGTGVGAQNG[Ile1024Met]LIKGGEPLEM